The following is an entry in ClinVar:

ClinVar aggregate classification (germline): Pathogenic/Likely pathogenic. Review status: criteria provided, multiple submitters, no conflicts (2 of 4 stars). 12 submissions from 12 submitters: Pathogenic (5); Likely pathogenic (6). 1 of the submissions does not count toward it. Last evaluated 2026-01-12.

Conditions:
Inborn genetic diseases. Identifiers: MedGen C0950123, MeSH D030342.
Pontocerebellar hypoplasia type 6 (PCH6). Identifiers: Orphanet 166073, MedGen C1969084, MONDO:0012683, OMIM 611523.

Allele frequency attached by ClinVar (database versions not stated): gnomAD 0.00005 and 0.00006; ExAC 0.00006; gnomAD exomes 0.00007 and 0.00015; ESP Exome Variant Server 0.00008; TOPMed 0.00008.

Submissions (12):

Labcorp Genetics (formerly Invitae), Labcorp
Classification: Pathogenic. Last evaluated: 2026-01-12. Review status: criteria provided, single submitter. Criteria: Invitae Variant Classification Sherloc (09022015). Collection method: clinical testing. Allele origin: germline.
Comment: This sequence change replaces glutamine, which is neutral and polar, with arginine, which is basic and polar, at codon 12 of the RARS2 protein (p.Gln12Arg). RNA analysis indicates that this missense change induces altered splicing and may result in an absent or altered protein product. This variant is present in population databases (rs147391618, gnomAD 0.02%). This missense change has been observed in individuals with pontocerebellar hypoplasia (PMID: 20635367, 20952379, 22569581). ClinVar contains an entry for this variant (Variation ID: 30912). Invitae Evidence Modeling of protein sequence and biophysical properties (such as structural, functional, and spatial information, amino acid conservation, physicochemical variation, residue mobility, and thermodynamic stability) has been performed for this missense variant. However, the output from this modeling did not meet the statistical confidence thresholds required to predict the impact of this variant on RARS2 protein function. Studies have shown that this missense change results in alternative splicing, and produces a non-functional protein and/or introduces a premature termination codon (PMID: 20635367, 22569581). For these reasons, this variant has been classified as Pathogenic.

Natera, Inc.
Classification: Likely pathogenic for Pontocerebellar hypoplasia, type 6. Last evaluated: 2025-12-01. Review status: criteria provided, single submitter. Criteria: Natera Variant Classification Schema (03/2026). Collection method: clinical testing. Allele origin: germline.
Comment: The c.35A>G variant in RARS2 is a missense variant predicted to cause substitution of glutamine to arginine at amino acid 12. This variant is rare in the general population with a frequency below the threshold expected for the associated phenotype(s). This variant has been observed in one or more individuals affected with the associated recessive disease, as either homozygous or compound heterozygous with a second variant (PMID: 20952379). Functional studies show that this variant may disrupt protein function (PMID: 22569581). Given the available evidence, this variant is classified as Likely Pathogenic.

Victorian Clinical Genetics Services, Murdoch Childrens Research Institute
Classification: Pathogenic for Pontocerebellar hypoplasia type 6. Last evaluated: 2025-06-30. Review status: criteria provided, single submitter. Criteria: ACMG Guidelines, 2015. Collection method: clinical testing. Allele origin: germline. Affected: yes.
Comment: This variant is classified as Pathogenic. Evidence in support of pathogenic classification: Splice site variant proven to affect splicing of the transcript with a known effect on protein sequence. RNA analysis shows this variant causes abnormal splicing leading to a frameshift and premature termination codon, NP_064716.2(RARS2):p.(Gln12Argfs*25) (PMID: 22569581, 20635367); Variant is present in gnomAD <0.01 for a recessive condition (v4: 232 heterozygote(s), 0 homozygote(s); This variant has strong previous evidence of pathogenicity in unrelated individuals. This variant has been classified as pathogenic and likely pathogenic by multiple clinical laboratories (ClinVar). This variant has also been reported in at least three compound heterozygous individuals with pontocerebellar hypoplasia (PMID: 20635367, 22569581, 20952379); Other NMD-predicted variant(s) comparable to the one identified in this case have very strong previous evidence for pathogenicity (DECIPHER). Additional information: This variant is heterozygous; This gene is associated with autosomal recessive disease; Loss of function is a known mechanism of disease in this gene and is associated with pontocerebellar hypoplasia, type 6 (MIM#611523); Variants in this gene are known to have variable expressivity (OMIM); Heterozygous variant detected in trans with a likely PATHOGENIC heterozygous variant (NM_020320.5(RARS2):c.754T>A; p.(Tyr252Asn)) in a recessive disease.

Ambry Genetics
Classification: Likely pathogenic for Inborn genetic diseases. Last evaluated: 2025-01-08. Review status: criteria provided, single submitter. Criteria: Ambry Variant Classification Scheme 2023. Collection method: clinical testing. Allele origin: germline.
Comment: The c.35A>G (p.Q12R) alteration is located in exon 1 (coding exon 1) of the RARS2 gene. This alteration results from a A to G substitution at nucleotide position 35, causing the glutamine (Q) at amino acid position 12 to be replaced by an arginine (R). Based on data from gnomAD, the G allele has an overall frequency of 0.007% (17/250478) total alleles studied. The highest observed frequency was 0.015% (17/113268) of European (non-Finnish) alleles. This variant has been identified in the homozygous state and/or in conjunction with other RARS2 variant(s) in individual(s) with features consistent with mitochondrial arginyl-tRNA synthetase deficiency; in at least one instance, the variants were identified in trans (Rankin, 2010; Namavar, 2011; Cassandrini, 2013; Roux, 2021). This nucleotide position is highly conserved in available vertebrate species. In multiple assays testing RARS2 splicing, this variant showed functionally abnormal results consistent with inclusion of a portion of intron 1, generating a premature stop codon (Rankin, 2010; Cassandrini, 2013).The stop codon in the predicted resulting transcript occurs in the 5' end of the RARS2 gene. As such, this alteration may escape nonsense-mediated mRNA decay and/or be prone to rescue by reinitiation (Rivas, 2015; Lindeboom, 2016; Rhee, 2017). The exact functional effect of this alteration is unknown; however, the region predicted to be impacted is critical for protein function (Ambry internal data). The in silico prediction for this missense alteration is inconclusive. In silico splice site analysis predicts that this alteration will weaken the native splice donor site. Based on the available evidence, this alteration is classified as likely pathogenic.

Revvity Omics, Revvity
Classification: Likely pathogenic for Pontocerebellar hypoplasia type 6. Last evaluated: 2024-11-13. Review status: criteria provided, single submitter. Criteria: ACMG Guidelines, 2015. Collection method: clinical testing. Allele origin: germline.

Fulgent Genetics
Classification: Likely pathogenic for Pontocerebellar hypoplasia type 6. Last evaluated: 2024-05-06. Review status: criteria provided, single submitter. Criteria: ACMG Guidelines, 2015. Collection method: clinical testing. Allele origin: germline.

Baylor Genetics
Classification: Pathogenic for Pontocerebellar hypoplasia type 6. Last evaluated: 2024-03-18. Review status: criteria provided, single submitter. Criteria: ACMG Guidelines, 2015. Collection method: clinical testing. Allele origin: unknown.

GeneDx
Classification: Likely pathogenic. Last evaluated: 2023-10-25. Review status: criteria provided, single submitter. Criteria: GeneDx Variant Classification Process June 2021. Collection method: clinical testing. Allele origin: germline.
Comment: Published functional studies found this variant results in abnormal splicing (PMID: 20635367, 22569581); In silico analysis supports that this missense variant has a deleterious effect on protein structure/function; Not observed at significant frequency in large population cohorts (gnomAD); This variant is associated with the following publications: (PMID: 30006346, 20635367, 22569581, 34426522, 22086604, 27061686, 23427196, 34717047, 35468344, 33972171, 20952379, 36586412)

Mendelics
Classification: Pathogenic for Pontocerebellar hypoplasia type 6. Last evaluated: 2022-05-04. Review status: criteria provided, single submitter. Criteria: Mendelics Assertion Criteria 2019. Collection method: clinical testing. Allele origin: germline.

Greenwood Genetic Center Diagnostic Laboratories, Greenwood Genetic Center
Classification: Likely pathogenic. Last evaluated: 2021-01-10. Review status: criteria provided, single submitter. Criteria: ACMG Guidelines, 2015. Collection method: clinical testing. Allele origin: germline. Affected: yes.
Comment: PS3, PM3, PM2

CeGaT Center for Human Genetics Tuebingen
Classification: Pathogenic. Last evaluated: 2020-10-01. Review status: criteria provided, single submitter. Criteria: CeGaT Center For Human Genetics Tuebingen Variant Classification Criteria Version 2. Collection method: clinical testing. Allele origin: germline. Affected: yes. Observed: 1 variant allele.

OMIM
Classification: Pathogenic for PONTOCEREBELLAR HYPOPLASIA, TYPE 6. Last evaluated: 2010-08-01. Review status: no assertion criteria provided. Collection method: literature only. Allele origin: germline. Not counted in ClinVar's aggregate classification.

Literature cited by the submitters: PubMed 20635367 (cited by 4 submitters); PubMed 20952379 (cited by 4 submitters); PubMed 22569581 (cited by 4 submitters); PubMed 25954003 (cited by Ambry Genetics); PubMed 27618451 (cited by Ambry Genetics); PubMed 28490743 (cited by Ambry Genetics); PubMed 33972171 (cited by Ambry Genetics).

NM_020320.5(RARS2):c.35A>G (p.Gln12Arg)

Gene: RARS2 (arginyl-tRNA synthetase 2, mitochondrial; minus strand). Cytogenetic location: 6q15.
Variant type: single nucleotide variant.
Coding change: c.35A>G on transcript NM_020320.5 (MANE Select); coding-DNA position 35, A replaced by G.
Protein change: p.Gln12Arg; replaces glutamine 12 with arginine.
Molecular consequence: missense variant. On other transcripts: 5 prime UTR variant (7), non-coding transcript variant (23).
Genome position (GRCh38, 1-based): chr6:87,589,923, T>C on the plus strand (A>G on the coding strand, the complement: RARS2 is on the minus strand). VCF-style: chr6-87589923-T-C. GRCh37 (hg19) VCF-style: chr6-88299641-T-C.
Other names: c.-656A>G (NM_001318785.2); c.35A>G, p.Gln12Arg (NM_001350505.2); c.-712A>G (NM_001350506.2, NM_001350510.2); c.-835A>G (NM_001350507.2); c.-874A>G (NM_001350508.2); c.-582A>G (NM_001350509.2); c.-831A>G (NM_001350511.2); c.35A>G (NM_020320.4); short protein forms Q12R.
Identifiers: ClinVar variation 30912 (VCV000030912.64), dbSNP rs147391618, ClinGen allele CA129531.